The following is an entry in ClinVar:

NM_002439.5(MSH3):c.1327G>A (p.Ala443Thr)

Gene: MSH3 (mutS homolog 3; plus strand). Cytogenetic location: 5q14.1.
Variant type: single nucleotide variant.
Coding change: c.1327G>A on transcript NM_002439.5 (MANE Select); coding-DNA position 1327, G replaced by A.
Protein change: p.Ala443Thr; replaces alanine 443 with threonine.
Molecular consequence: missense variant.
Genome position (GRCh38, 1-based): chr5:80,679,080, G>A. VCF-style: chr5-80679080-G-A. GRCh37 (hg19) VCF-style: chr5-79974899-G-A.
Other names: c.1327G>A (NM_002439.4); short protein forms A443T.
Identifiers: ClinVar variation 1055567 (VCV001055567.16), dbSNP rs752066199, ClinGen allele CA3327859.

ClinVar aggregate classification (germline): Conflicting classifications of pathogenicity. Review status: criteria provided, conflicting classifications (1 of 4 stars). 4 submissions from 4 submitters: Uncertain significance (3); Likely benign (1). Last evaluated 2025-10-09.

Conditions:
Hereditary cancer-predisposing syndrome. Also called: Neoplastic Syndromes, Hereditary; Tumor predisposition; Hereditary Cancer Syndrome; Hereditary neoplastic syndrome. Identifiers: Orphanet 140162, MedGen C0027672, MeSH D009386, MONDO:0015356.

Allele frequency attached by ClinVar (database versions not stated): gnomAD exomes below 0.00001; ExAC 0.00001; gnomAD 0.00001.
gnomAD v4.1: 3 of 1,613,828 alleles (0.00019%); highest among the groups gnomAD compares: Non-Finnish European, 0.00025%; no homozygotes.

Submissions (4):

Ambry Genetics
Classification: Likely benign for Hereditary cancer-predisposing syndrome. Last evaluated: 2025-10-09. Review status: criteria provided, single submitter. Criteria: Ambry Variant Classification Scheme 2023. Collection method: clinical testing. Allele origin: germline.

Labcorp Genetics (formerly Invitae), Labcorp
Classification: Uncertain significance. Last evaluated: 2025-07-29. Review status: criteria provided, single submitter. Criteria: Invitae Variant Classification Sherloc (09022015). Collection method: clinical testing. Allele origin: germline.
Comment: This sequence change replaces alanine, which is neutral and non-polar, with threonine, which is neutral and polar, at codon 443 of the MSH3 protein (p.Ala443Thr). This variant is present in population databases (rs752066199, gnomAD 0.0009%). This variant has not been reported in the literature in individuals affected with MSH3-related conditions. ClinVar contains an entry for this variant (Variation ID: 1055567). An algorithm developed to predict the effect of missense changes on protein structure and function outputs the following: PolyPhen-2: "Benign". The threonine amino acid residue is found in multiple mammalian species, which suggests that this missense change does not adversely affect protein function. In summary, the available evidence is currently insufficient to determine the role of this variant in disease. Therefore, it has been classified as a Variant of Uncertain Significance.

GeneDx
Classification: Uncertain significance. Last evaluated: 2025-06-05. Review status: criteria provided, single submitter. Criteria: GeneDx Variant Classification Process June 2021. Collection method: clinical testing. Allele origin: germline.
Comment: Not observed at significant frequency in large population cohorts (gnomAD); In silico analysis suggests that this missense variant does not alter protein structure/function; Has not been previously published as pathogenic or benign to our knowledge

Dasa
Classification: Uncertain significance. Last evaluated: 2025-03-19. Review status: criteria provided, single submitter. Criteria: DASA Assertion Criteria. Collection method: clinical testing. Allele origin: germline.
Comment: NM_002439.5(MSH3):c.1327G>A (p.Ala443Thr) is a missense variant that results in the substitution of alanine with threonine. This variant is rare in population databases. Computational prediction algorithms are consistent with a benign effect. The currently available literature and clinical evidence are not sufficient to establish a definitive association between this variant and the reported condition. Therefore, this variant is classified as a variant of uncertain significance.